The following is an entry in ClinVar:

ClinVar aggregate classification (germline): Uncertain significance (1 of 4 stars; one submission).

Conditions:
Inborn genetic diseases. Identifiers: MedGen C0950123, MeSH D030342.

Allele frequency attached by ClinVar (database versions not stated): gnomAD exomes below 0.00001.

Submission:

Ambry Genetics
Classification: Uncertain significance for Inborn genetic diseases. Last evaluated: 2021-06-30. Review status: criteria provided, single submitter. Criteria: Ambry Variant Classification Scheme 2023. Collection method: clinical testing. Allele origin: germline.
Comment: The c.1628T>C (p.L543P) alteration is located in exon 3 (coding exon 1) of the ZNF526 gene. This alteration results from a T to C substitution at nucleotide position 1628, causing the leucine (L) at amino acid position 543 to be replaced by a proline (P). Based on data from the Genome Aggregation Database (gnomAD), the ZNF526 c.1628T>C alteration was not observed, with coverage at this position. This amino acid position is highly conserved in available vertebrate species. The in silico prediction for the p.L543P alteration is inconclusive. Based on insufficient or conflicting evidence, the clinical significance of this alteration remains unclear.

NM_133444.3(ZNF526):c.1628T>C (p.Leu543Pro)

Gene: ZNF526 (zinc finger protein 526; plus strand). Cytogenetic location: 19q13.2.
Variant type: single nucleotide variant.
Coding change: c.1628T>C on transcript NM_133444.3 (MANE Select); coding-DNA position 1628, T replaced by C.
Protein change: p.Leu543Pro; replaces leucine 543 with proline.
Molecular consequence: missense variant.
Genome position (GRCh38, 1-based): chr19:42,226,031, T>C. VCF-style: chr19-42226031-T-C. GRCh37 (hg19) VCF-style: chr19-42730183-T-C.
Other names: c.1628T>C, p.Leu543Pro (NM_001314033.3); short protein forms L543P.
Identifiers: ClinVar variation 2376032 (VCV002376032.2), dbSNP rs2513493061, ClinGen allele CA406080524.